The following is an entry in ClinVar:

NM_001903.5(CTNNA1):c.2613G>A (p.Lys871=)

Gene: CTNNA1 (catenin alpha 1; plus strand). Cytogenetic location: 5q31.2.
Variant type: single nucleotide variant.
Coding change: c.2613G>A on transcript NM_001903.5 (MANE Select); coding-DNA position 2613, G replaced by A.
Protein change: p.Lys871=; no amino-acid change (lysine 871 retained).
Molecular consequence: synonymous variant. On other transcripts: 3 prime UTR variant (5).
Genome position (GRCh38, 1-based): chr5:138,933,981, G>A. VCF-style: chr5-138933981-G-A. GRCh37 (hg19) VCF-style: chr5-138269670-G-A.
Other names: c.*158G>A (NM_001290307.3, NM_001324002.1, NM_001324003.1 and 2 more transcripts); c.2304G>A, p.Lys768= (NM_001290309.3); c.2244G>A, p.Lys748= (NM_001290310.3); c.1503G>A, p.Lys501= (NM_001290312.1, NM_001323987.1, NM_001323988.1 and 12 more transcripts); c.2613G>A, p.Lys871= (NM_001323982.2, NM_001323983.1, NM_001323984.2); c.2586G>A, p.Lys862= (NM_001323985.2); c.2520G>A, p.Lys840= (NM_001323986.2); c.1368G>A, p.Lys456= (NM_001324001.1); and 4 more.
Identifiers: ClinVar variation 1099640 (VCV001099640.13), dbSNP rs1766001253, ClinGen allele CA446793466.
Genomic context (GRCh38, chr5:138,933,981, plus strand): 5'-CCTCAACCTTCCTGCTGTGTCATGGAAGATGAAGGCACCAGAGAAAAAGCCATTGGTGAA[G>A]AGAGAGAAACAGGATGAGACACAGACCAAGATTAAACGGGCATCTCAGAAGAAGCACGTG-3'
Protein context (NP_001894.2, residues 861-881): MKAPEKKPLV[Lys871=]REKQDETQTK

ClinVar aggregate classification (germline): Benign/Likely benign. Review status: criteria provided, multiple submitters, no conflicts (2 of 4 stars). 4 submissions from 4 submitters: Benign (1); Likely benign (2). 1 of the submissions does not count toward it. Last evaluated 2026-09-08.

Conditions:
Hereditary cancer-predisposing syndrome. Also called: Neoplastic Syndromes, Hereditary; Tumor predisposition; Hereditary Cancer Syndrome; Hereditary neoplastic syndrome. Identifiers: Orphanet 140162, MedGen C0027672, MeSH D009386, MONDO:0015356.
CTNNA1-related disorder. Also called: CTNNA1-related condition.
Hereditary diffuse gastric adenocarcinoma (HDGC). Also called: DIFFUSE GASTRIC AND LOBULAR BREAST CANCER SYNDROME. Identifiers: Orphanet 26106, MedGen C1708349, MONDO:0007648, OMIM 137215.

Allele frequency attached by ClinVar (database versions not stated): gnomAD exomes below 0.00001; TOPMed below 0.00001.
gnomAD v4.1: 1 of 1,614,180 alleles (0.000062%); highest among the groups gnomAD compares: South Asian, 0.0011%; no homozygotes.

Submissions (4):

Ambry Genetics
Classification: Likely benign for Hereditary cancer-predisposing syndrome. Last evaluated: 2026-09-08. Review status: criteria provided, single submitter. Criteria: Ambry Variant Classification Scheme 2023. Collection method: clinical testing. Allele origin: germline.

Myriad Genetics, Inc.
Classification: Benign for Hereditary diffuse gastric adenocarcinoma. Last evaluated: 2024-10-15. Review status: criteria provided, single submitter. Criteria: Myriad Autosomal Dominant, Autosomal Recessive and X-Linked Classification Criteria (2023). Collection method: clinical testing. Allele origin: unknown.
Comment: This variant is considered benign. This variant is a silent/synonymous amino acid change and it is not expected to impact splicing.

Labcorp Genetics (formerly Invitae), Labcorp
Classification: Likely benign. Last evaluated: 2022-01-26. Review status: criteria provided, single submitter. Criteria: Invitae Variant Classification Sherloc (09022015). Collection method: clinical testing. Allele origin: germline.

PreventionGenetics, part of Exact Sciences
Classification: Likely benign for CTNNA1-related condition. Last evaluated: 2023-08-18. Review status: no assertion criteria provided. Collection method: clinical testing. Allele origin: germline. Not counted in ClinVar's aggregate classification.
Comment: This variant is classified as likely benign based on ACMG/AMP sequence variant interpretation guidelines (Richards et al. 2015 PMID: 25741868, with internal and published modifications).